The following is an entry in ClinVar:

NM_033305.3(VPS13A):c.9287_9290dup (p.Thr3098fs)

Gene: VPS13A (vacuolar protein sorting 13 homolog A; plus strand). Cytogenetic location: 9q21.2.
Variant type: Microsatellite.
Coding change: c.9287_9290dup on transcript NM_033305.3 (MANE Select); coding-DNA positions 9287 to 9290, 4 bases duplicated (TTGT; older notation c.9287_9290dupTTGT).
Protein change: p.Thr3098fs; shifts the reading frame from threonine 3098.
Molecular consequence: frameshift variant.
Genome position (GRCh38, 1-based): chr9:77,405,875-77,405,878, TTGT duplicated; duplicating any 4 consecutive bases within chr9:77,405,871-77,405,878 gives the same sequence; the c. name uses the placement nearest the transcript's 3' end. VCF-style (leftmost placement, unchanged base first): chr9-77405870-A-ATTGT. GRCh37 (hg19) VCF-style: chr9-80020786-A-ATTGT.
Other names: c.9170_9173dup, p.Thr3059fs (NM_001018037.2); short protein forms T3059fs, T3098fs.
Identifiers: ClinVar variation 971066 (VCV000971066.12), dbSNP rs1834577610, ClinGen allele CA588488166.

ClinVar aggregate classification (germline): Pathogenic/Likely pathogenic. Review status: criteria provided, multiple submitters, no conflicts (2 of 4 stars). 4 submissions from 4 submitters: Pathogenic (2); Likely pathogenic (1). 1 of the submissions does not count toward it. Last evaluated 2025-10-21.

Conditions:
VPS13A-related neurodegenerative disease. Also called: VPS13A Disease; Choreaacanthocytosis; Chorea-acanthocytosis; LEVINE-CRITCHLEY SYNDROME; Choreoacanthocytosis; ACANTHOCYTOSIS WITH NEUROLOGIC DISORDER. Identifiers: Orphanet 2388, MedGen C0393576, MONDO:0008695, OMIM 200150.

Submissions (4):

Variantyx, Inc.
Classification: Likely pathogenic for VPS13A-related neurodegenerative disease. Last evaluated: 2025-10-21. Review status: criteria provided, single submitter. Criteria: Variantyx Assertion Criteria 2022. Collection method: clinical testing. Allele origin: germline. Inheritance: Autosomal recessive inheritance. Affected: no.
Comment: This is a frameshift variant in the VPS13A gene (OMIM: 605978). Pathogenic variants in this gene have been associated with autosomal recessive choreoacanthocytosis. This variant introduces a premature termination codon in exon 70 out of 72 and is expected to result in loss of function, which is a known disease mechanism for VPS13A in this disorder (PMID: 11381253, 27400454, 12404112) (PVS1). This variant has a 0.0046% maximum allele frequency in non-founder control populations (PM2). Based on the current evidence, this variant is classified as likely pathogenic for autosomal recessive choreoacanthocytosis.

Labcorp Genetics (formerly Invitae), Labcorp
Classification: Pathogenic. Last evaluated: 2023-09-19. Review status: criteria provided, single submitter. Criteria: Invitae Variant Classification Sherloc (09022015). Collection method: clinical testing. Allele origin: germline.
Comment: This variant is also known as 9286–9289dupTTTG. This premature translational stop signal has been observed in individual(s) with chorea-acanthocytosis (PMID: 11381253). This variant is present in population databases (no rsID available, gnomAD 0.003%). This sequence change creates a premature translational stop signal (p.Thr3098Cysfs*12) in the VPS13A gene. It is expected to result in an absent or disrupted protein product. Loss-of-function variants in VPS13A are known to be pathogenic (PMID: 12404112, 21598378). ClinVar contains an entry for this variant (Variation ID: 971066). For these reasons, this variant has been classified as Pathogenic.

Fulgent Genetics
Classification: Pathogenic for VPS13A-related neurodegenerative disease. Last evaluated: 2022-01-05. Review status: criteria provided, single submitter. Criteria: ACMG Guidelines, 2015. Collection method: clinical testing. Allele origin: unknown.

Natera, Inc.
Classification: Pathogenic for Choreaacanthocytosis. Last evaluated: 2021-03-12. Review status: no assertion criteria provided. Collection method: clinical testing. Allele origin: germline. Not counted in ClinVar's aggregate classification.

Literature cited by the submitters: PubMed 11381253 (cited by Variantyx, Inc. and Labcorp Genetics (formerly Invitae), Labcorp); PubMed 27400454 (cited by Variantyx, Inc.); PubMed 12404112 (cited by Variantyx, Inc. and Labcorp Genetics (formerly Invitae), Labcorp); PubMed 21598378 (cited by Labcorp Genetics (formerly Invitae), Labcorp).